The following is an entry in ClinVar:

NM_000038.6(APC):c.2752G>C (p.Glu918Gln)

Gene: APC (APC regulator of Wnt signaling pathway; plus strand). Cytogenetic location: 5q22.2.
Variant type: single nucleotide variant.
Coding change: c.2752G>C on transcript NM_000038.6 (MANE Select); coding-DNA position 2752, G replaced by C.
Protein change: p.Glu918Gln; replaces glutamic acid 918 with glutamine.
Molecular consequence: missense variant. On other transcripts: non-coding transcript variant (2).
Genome position (GRCh38, 1-based): chr5:112,838,346, G>C. VCF-style: chr5-112838346-G-C. GRCh37 (hg19) VCF-style: chr5-112174043-G-C.
Other names: c.2629G>C, p.Glu877Gln (NM_001354900.2); c.2575G>C, p.Glu859Gln (NM_001354901.2, NM_001407453.1); c.2479G>C, p.Glu827Gln (NM_001354902.2); c.2449G>C, p.Glu817Gln (NM_001354903.2, NM_001407458.1, NM_001407459.1 and 1 more transcripts); c.2374G>C, p.Glu792Gln (NM_001354904.2); c.2272G>C, p.Glu758Gln (NM_001354905.2); c.1903G>C, p.Glu635Gln (NM_001354906.2, NM_001407470.1); c.2836G>C, p.Glu946Gln (NM_001407446.1); and 11 more; short protein forms E534Q, E827Q, E859Q, E877Q, E890Q, E908Q, E918Q, E946Q.
Identifiers: ClinVar variation 5025713 (VCV005025713.1).

ClinVar aggregate classification (germline): Uncertain significance (1 of 4 stars; one submission).

Conditions:
Hereditary cancer-predisposing syndrome. Also called: Neoplastic Syndromes, Hereditary; Tumor predisposition; Hereditary neoplastic syndrome; Hereditary Cancer Syndrome. Identifiers: Orphanet 140162, MedGen C0027672, MeSH D009386, MONDO:0015356.

Submission:

Ambry Genetics
Classification: Uncertain significance for Hereditary cancer-predisposing syndrome. Last evaluated: 2026-08-10. Review status: criteria provided, single submitter. Criteria: Ambry Variant Classification Scheme 2023. Collection method: clinical testing. Allele origin: germline.
Comment: The p.E918Q variant (also known as c.2752G>C), located in coding exon 15 of the APC gene, results from a G to C substitution at nucleotide position 2752. The glutamic acid at codon 918 is replaced by glutamine, an amino acid with highly similar properties. This amino acid position is conserved. In addition, in silico predictors for this gene do not accurately predict pathogenicity. Based on the available evidence, the clinical significance of this variant remains unclear.